The following is an entry in ClinVar:

ClinVar aggregate classification (germline): Uncertain significance (1 of 4 stars; one submission).

Submission:

CeGaT Center for Human Genetics Tuebingen
Classification: Uncertain significance. Last evaluated: 2023-01-01. Review status: criteria provided, single submitter. Criteria: CeGaT Center For Human Genetics Tuebingen Variant Classification Criteria Version 2. Collection method: clinical testing. Allele origin: germline. Affected: yes. Observed: 1 variant allele.
Comment: COL6A3: PM2

NM_004369.4(COL6A3):c.808G>C (p.Glu270Gln)

Gene: COL6A3 (collagen type VI alpha 3 chain; minus strand). Cytogenetic location: 2q37.3.
Variant type: single nucleotide variant.
Coding change: c.808G>C on transcript NM_004369.4 (MANE Select); coding-DNA position 808, G replaced by C.
Protein change: p.Glu270Gln; replaces glutamic acid 270 with glutamine.
Molecular consequence: missense variant. On other transcripts: intron variant (2).
Genome position (GRCh38, 1-based): chr2:237,388,086, C>G on the plus strand (G>C on the coding strand, the complement: COL6A3 is on the minus strand). VCF-style: chr2-237388086-C-G. GRCh37 (hg19) VCF-style: chr2-238296729-C-G.
Other names: c.190G>C, p.Glu64Gln (NM_057165.5, NM_057167.4); c.92-6587G>C (NM_057166.5, NM_057164.5); short protein forms E270Q, E64Q.
Identifiers: ClinVar variation 2652052 (VCV002652052.24), dbSNP rs2469949784, ClinGen allele CA351223712.